The following is an entry in ClinVar:

NM_178857.6(RP1L1):c.2319G>A (p.Pro773=)

Gene: RP1L1 (RP1 like 1). Cytogenetic location: 8p23.1.
Variant type: single nucleotide variant.
Coding change: c.2319G>A on transcript NM_178857.6 (MANE Select); coding-DNA position 2319, G replaced by A.
Protein change: p.Pro773=; no amino-acid change (proline 773 retained).
Molecular consequence: synonymous variant.
Genome position (GRCh38, 1-based): chr8:10,611,779, C>T on the plus strand (G>A on the coding strand, the complement: RP1L1 is on the minus strand). VCF-style: chr8-10611779-C-T. GRCh37 (hg19) VCF-style: chr8-10469289-C-T.
Identifiers: ClinVar variation 361351 (VCV000361351.30), dbSNP rs376509567, ClinGen allele CA4624872.

ClinVar aggregate classification (germline): Benign/Likely benign. Review status: criteria provided, multiple submitters, no conflicts (2 of 4 stars). 5 submissions from 5 submitters: Benign (1); Likely benign (2). 2 of the submissions do not count toward it. Last evaluated 2025-03-01.

Conditions:
Occult macular dystrophy (OCMD). Also called: OMD; OCCULT MACULAR DYSTROPHY, SUSCEPTIBILITY TO. Identifiers: Orphanet 247834, MedGen C3150833, MONDO:0013316, OMIM 613587, HP:0030636.

Allele frequency attached by ClinVar (database versions not stated): TOPMed 0.00066; ESP Exome Variant Server 0.00090; gnomAD 0.00127 and 0.00130; gnomAD exomes 0.00133; ExAC 0.00138.
gnomAD v4.1: 2,351 of 1,613,614 alleles (0.15%); highest among the groups gnomAD compares: Non-Finnish European, 0.15%; 2 homozygotes.

Submissions (5):

CeGaT Center for Human Genetics Tuebingen
Classification: Likely benign. Last evaluated: 2025-03-01. Review status: criteria provided, single submitter. Criteria: CeGaT Center For Human Genetics Tuebingen Variant Classification Criteria Version 2. Collection method: clinical testing. Allele origin: germline. Affected: yes. Observed: 2 variant alleles.
Comment: RP1L1: BP4, BP7

Blueprint Genetics
Classification: Likely benign. Last evaluated: 2024-11-14. Review status: criteria provided, single submitter. Criteria: ACMG Guidelines, 2015. Collection method: clinical testing. Allele origin: germline.

Illumina Laboratory Services, Illumina
Classification: Benign for Occult macular dystrophy. Last evaluated: 2018-01-13. Review status: criteria provided, single submitter. Criteria: ICSL Variant Classification Criteria 13 December 2019. Collection method: clinical testing. Allele origin: germline.
Comment: This variant was observed in the ICSL laboratory as part of a predisposition screen in an ostensibly healthy population. It had not been previously curated by ICSL or reported in the Human Gene Mutation Database (HGMD: prior to June 1st, 2018), and was therefore a candidate for classification through an automated scoring system. Utilizing variant allele frequency, disease prevalence and penetrance estimates, and inheritance mode, an automated score was calculated to assess if this variant is too frequent to cause the disease. Based on the score and internal cut-off values, a variant classified as benign is not then subjected to further curation. The score for this variant resulted in a classification of benign for this disease.

Clinical Genetics DNA and cytogenetics Diagnostics Lab, Erasmus MC, Erasmus Medical Center
Classification: Likely benign. Review status: no assertion criteria provided. Collection method: clinical testing. Allele origin: germline. Affected: yes. Study: VKGL Data-share Consensus. Not counted in ClinVar's aggregate classification.

Clinical Genetics, Academic Medical Center
Classification: Benign. Review status: no assertion criteria provided. Collection method: clinical testing. Allele origin: germline. Affected: yes. Study: VKGL Data-share Consensus. Not counted in ClinVar's aggregate classification.